The following is an entry in ClinVar:

NM_024642.5(GALNT12):c.1367A>C (p.Asp456Ala)

Gene: GALNT12 (polypeptide N-acetylgalactosaminyltransferase 12; plus strand). Cytogenetic location: 9q22.33.
Variant type: single nucleotide variant.
Coding change: c.1367A>C on transcript NM_024642.5 (MANE Select); coding-DNA position 1367, A replaced by C.
Protein change: p.Asp456Ala; replaces aspartic acid 456 with alanine.
Molecular consequence: missense variant.
Genome position (GRCh38, 1-based): chr9:98,844,118, A>C. VCF-style: chr9-98844118-A-C. GRCh37 (hg19) VCF-style: chr9-101606400-A-C.
Other names: short protein forms D456A.
Identifiers: ClinVar variation 2015795 (VCV002015795.4), dbSNP rs2490552205, ClinGen allele CA374221348.

ClinVar aggregate classification (germline): Uncertain significance (1 of 4 stars; one submission).

Allele frequency attached by ClinVar (database versions not stated): gnomAD exomes below 0.00001.
gnomAD v4.1: 1 of 1,613,242 alleles (0.000062%); highest among the groups gnomAD compares: Non-Finnish European, 0.000085%; no homozygotes.

Submission:

Labcorp Genetics (formerly Invitae), Labcorp
Classification: Uncertain significance. Last evaluated: 2022-07-10. Review status: criteria provided, single submitter. Criteria: Invitae Variant Classification Sherloc (09022015). Collection method: clinical testing. Allele origin: germline.
Comment: This sequence change replaces aspartic acid, which is acidic and polar, with alanine, which is neutral and non-polar, at codon 456 of the GALNT12 protein (p.Asp456Ala). In summary, the available evidence is currently insufficient to determine the role of this variant in disease. Therefore, it has been classified as a Variant of Uncertain Significance. Algorithms developed to predict the effect of missense changes on protein structure and function (SIFT, PolyPhen-2, Align-GVGD) all suggest that this variant is likely to be tolerated. This variant has not been reported in the literature in individuals affected with GALNT12-related conditions. This variant is not present in population databases (gnomAD no frequency).